The following is an entry in ClinVar:

NM_007254.4(PNKP):c.1314_1315del (p.Arg439fs)

Gene: PNKP (polynucleotide kinase 3'-phosphatase; minus strand). Cytogenetic location: 19q13.33.
Variant type: Deletion.
Coding change: c.1314_1315del on transcript NM_007254.4 (MANE Select); coding-DNA positions 1314 to 1315, 2 bases deleted (CC; older notation c.1314_1315delCC).
Protein change: p.Arg439fs; shifts the reading frame from arginine 439.
Molecular consequence: frameshift variant.
Genome position (GRCh38, 1-based): chr19:49,861,679-49,861,680, GG deleted on the plus strand (CC on the coding strand, the reverse complement: PNKP is on the minus strand); deleting any 2 consecutive bases within chr19:49,861,679-49,861,681 gives the same sequence; the c. name uses the placement nearest the transcript's 3' end. VCF-style (leftmost placement, unchanged base first): chr19-49861678-CGG-C. GRCh37 (hg19) VCF-style: chr19-50364935-CGG-C.
Other names: short protein forms R439fs.
Identifiers: ClinVar variation 2749312 (VCV002749312.3), dbSNP rs2074764232, ClinGen allele CA2340622225.

ClinVar aggregate classification (germline): Pathogenic (1 of 4 stars; one submission).

Conditions:
Developmental and epileptic encephalopathy, 12 (DEE12). Identifiers: MedGen C3150988, MONDO:0013389, OMIM 613722.

Submission:

Labcorp Genetics (formerly Invitae), Labcorp
Classification: Pathogenic for Developmental and epileptic encephalopathy, 12. Last evaluated: 2023-07-28. Review status: criteria provided, single submitter. Criteria: Invitae Variant Classification Sherloc (09022015). Collection method: clinical testing. Allele origin: germline.
Comment: For these reasons, this variant has been classified as Pathogenic. This variant disrupts a region of the PNKP protein in which other variant(s) (p.Gln517*) have been determined to be pathogenic (PMID: 30039206). This suggests that this is a clinically significant region of the protein, and that variants that disrupt it are likely to be disease-causing. This variant has not been reported in the literature in individuals affected with PNKP-related conditions. This variant is not present in population databases (gnomAD no frequency). This sequence change creates a premature translational stop signal (p.Arg439Serfs*54) in the PNKP gene. While this is not anticipated to result in nonsense mediated decay, it is expected to disrupt the last 83 amino acid(s) of the PNKP protein.

Literature cited by the submitters: PubMed 30039206.